The following is an entry in ClinVar:

ClinVar aggregate classification (germline): Likely pathogenic (1 of 4 stars; one submission).

Conditions:
Wiedemann-Steiner syndrome (WDSTS). Also called: Growth deficiency and mental retardation with facial dysmorphism. Identifiers: Orphanet 319182, MedGen C1854630, MONDO:0011518, OMIM 605130.

Submission:

3billion
Classification: Likely pathogenic for Wiedemann-Steiner syndrome. Last evaluated: 2025-08-01. Review status: criteria provided, single submitter. Criteria: ACMG Guidelines, 2015. Collection method: clinical testing. Allele origin: germline. Affected: yes.
Comment: The variant is not observed in the gnomAD v4.1.0 dataset. Predicted Consequence/Location: Frameshift: predicted to result in a loss or disruption of normal protein function through nonsense-mediated decay (NMD) or protein truncation. Multiple pathogenic variants are reported downstream of the variant. Therefore, this variant is classified as Likely pathogenic according to the recommendation of ACMG/AMP guideline.

NM_001197104.2(KMT2A):c.1513_1516dup (p.Thr506fs)

Gene: KMT2A (lysine methyltransferase 2A; plus strand). Cytogenetic location: 11q23.3.
Variant type: Duplication.
Coding change: c.1513_1516dup on transcript NM_001197104.2 (MANE Select); coding-DNA positions 1513 to 1516, 4 bases duplicated (GATA; older notation c.1513_1516dupGATA).
Protein change: p.Thr506fs; shifts the reading frame from threonine 506.
Molecular consequence: frameshift variant.
Genome position (GRCh38, 1-based): chr11:118,472,672-118,472,675, GATA duplicated. VCF-style (leftmost placement, unchanged base first): chr11-118472671-C-CGATA. GRCh37 (hg19) VCF-style: chr11-118343386-C-CGATA.
Other names: c.1612_1615dup, p.Thr539fs (NM_001412597.1); c.1513_1516dup, p.Thr506fs (NM_005933.4); short protein forms T506fs, T539fs.
Identifiers: ClinVar variation 4854463 (VCV004854463.1).